The following is an entry in ClinVar:

ClinVar aggregate classification (germline): Likely benign (0 of 4 stars; one submission).

Conditions:
EFTUD2-related disorder. Also called: EFTUD2-related condition.

Allele frequency attached by ClinVar (database versions not stated): TOPMed 0.00001.

Submission:

PreventionGenetics, part of Exact Sciences
Classification: Likely benign for EFTUD2-related condition. Last evaluated: 2021-03-25. Review status: no assertion criteria provided. Collection method: clinical testing. Allele origin: germline.
Comment: This variant is classified as likely benign based on ACMG/AMP sequence variant interpretation guidelines (Richards et al. 2015 PMID: 25741868, with internal and published modifications).

NM_004247.4(EFTUD2):c.619+6A>G

Gene: EFTUD2 (elongation factor Tu GTP binding domain containing 2; minus strand). Cytogenetic location: 17q21.31.
Variant type: single nucleotide variant.
Coding change: c.619+6A>G on transcript NM_004247.4 (MANE Select); 6 bases into the intron after coding-DNA position 619, A replaced by G.
Molecular consequence: intron variant.
Genome position (GRCh38, 1-based): chr17:44,880,548, T>C on the plus strand (A>G on the coding strand, the complement: EFTUD2 is on the minus strand). VCF-style: chr17-44880548-T-C. GRCh37 (hg19) VCF-style: chr17-42957916-T-C.
Other names: c.514+6A>G (NM_001142605.2); c.589+6A>G (NM_001258354.2); c.619+6A>G (NM_001258353.2).
Identifiers: ClinVar variation 3031278 (VCV003031278.2), dbSNP rs1361921670, ClinGen allele CA772303897.
Genomic context (GRCh38, chr17:44,880,548, plus strand): 5'-AAAGTGAGAGGACACACGCAAAACCAAGACAAGGTTCTAATAATCAAAAGCCAAAGGATG[T>C]CCTACCTGGAGTGTCCATGATATTGAAGAGATAAGATTTTCCTTTGGTGTCTGGCAAGAC-3'